The following is an entry in ClinVar:

NM_000245.4(MET):c.1149G>A (p.Val383=)

Gene: MET (MET proto-oncogene, receptor tyrosine kinase; plus strand). Cytogenetic location: 7q31.2.
Variant type: single nucleotide variant.
Coding change: c.1149G>A on transcript NM_000245.4 (MANE Select); coding-DNA position 1149, G replaced by A.
Protein change: p.Val383=; no amino-acid change (valine 383 retained).
Molecular consequence: synonymous variant. On other transcripts: intron variant (1).
Genome position (GRCh38, 1-based): chr7:116,700,233, G>A. VCF-style: chr7-116700233-G-A. GRCh37 (hg19) VCF-style: chr7-116340287-G-A.
Other names: c.1149G>A (NM_001127500.1); c.1149G>A, p.Val383= (NM_001127500.3, NM_001324401.3); c.-91+27656G>A (NM_001324402.2).
Identifiers: ClinVar variation 1623143 (VCV001623143.10), dbSNP rs1033586067, ClinGen allele CA457448153.

ClinVar aggregate classification (germline): Conflicting classifications of pathogenicity. Review status: criteria provided, conflicting classifications (1 of 4 stars). 3 submissions from 3 submitters: Uncertain significance (1); Benign (1); Likely benign (1). Last evaluated 2025-07-07.

Conditions:
Hereditary cancer-predisposing syndrome. Also called: Hereditary Cancer Syndrome; Neoplastic Syndromes, Hereditary; Hereditary neoplastic syndrome; Tumor predisposition. Identifiers: Orphanet 140162, MedGen C0027672, MeSH D009386, MONDO:0015356.
Renal cell carcinoma. Identifiers: Orphanet 217071, MedGen C0007134, MeSH D002292, MONDO:0005086, HP:0005584.
Papillary renal cell carcinoma type 1 (RCCP1). Also called: RENAL CELL CARCINOMA, PAPILLARY, 1, SOMATIC; Renal adenocarcinoma; Renal cell carcinoma 1; Renal cell carcinoma, somatic. Identifiers: Orphanet 47044, MedGen C1336839, OMIM 605074, HP:0011797.

Allele frequency attached by ClinVar (database versions not stated): gnomAD exomes below 0.00001.
gnomAD v4.1: 1 of 1,601,460 alleles (0.000062%); highest among the groups gnomAD compares: South Asian, 0.0011%; no homozygotes.

Submissions (3):

Labcorp Genetics (formerly Invitae), Labcorp
Classification: Likely benign for Renal cell carcinoma. Last evaluated: 2025-07-07. Review status: criteria provided, single submitter. Criteria: Invitae Variant Classification Sherloc (09022015). Collection method: clinical testing. Allele origin: germline.

Myriad Genetics, Inc.
Classification: Benign for Papillary renal cell carcinoma type 1. Last evaluated: 2024-11-07. Review status: criteria provided, single submitter. Criteria: Myriad Autosomal Dominant, Autosomal Recessive and X-Linked Classification Criteria (2023). Collection method: clinical testing. Allele origin: unknown.
Comment: This variant is considered benign. This variant is a silent/synonymous amino acid change and it is not expected to impact splicing.

Ambry Genetics
Classification: Uncertain significance for Hereditary cancer-predisposing syndrome. Last evaluated: 2024-10-29. Review status: criteria provided, single submitter. Criteria: Ambry Variant Classification Scheme 2023. Collection method: clinical testing. Allele origin: germline.
Comment: The c.1149G>A variant (also known as p.V383V), located in coding exon 1 of the MET gene, results from a G to A substitution at nucleotide position 1149. This nucleotide substitution does not change the valine at codon 383. This nucleotide position is well conserved in available vertebrate species. In silico splice site analysis predicts that this alteration may result in the creation or strengthening of a novel splice donor site. Based on the available evidence, the clinical significance of this variant remains unclear.